The following is an entry in ClinVar:

ClinVar aggregate classification (germline): Conflicting classifications of pathogenicity. Review status: criteria provided, conflicting classifications (1 of 4 stars). 3 submissions from 3 submitters: Uncertain significance (2); Likely benign (1). Last evaluated 2025-10-13.

Allele frequency attached by ClinVar (database versions not stated): 1000 Genomes Project 30x 0.00031; gnomAD exomes 0.00034 and 0.00049; gnomAD 0.00026 and 0.00024; ExAC 0.00036; 1000 Genomes Project 0.00040; ESP Exome Variant Server 0.00015; TOPMed 0.00021.
gnomAD v4.1: 747 of 1,614,140 alleles (0.046%); highest among the groups gnomAD compares: South Asian, 0.083%; 2 homozygotes.

Submissions (3):

Labcorp Genetics (formerly Invitae), Labcorp
Classification: Uncertain significance. Last evaluated: 2025-10-13. Review status: criteria provided, single submitter. Criteria: Invitae Variant Classification Sherloc (09022015). Collection method: clinical testing. Allele origin: germline.
Comment: This sequence change replaces glycine, which is neutral and non-polar, with serine, which is neutral and polar, at codon 113 of the NUP62 protein (p.Gly113Ser). This variant is present in population databases (rs200398387, gnomAD 0.1%), and has an allele count higher than expected for a pathogenic variant. This variant has not been reported in the literature in individuals affected with NUP62-related conditions. ClinVar contains an entry for this variant (Variation ID: 252707). An algorithm developed to predict the effect of missense changes on protein structure and function outputs the following: PolyPhen-2: "Benign". The serine amino acid residue is found in multiple mammalian species, which suggests that this missense change does not adversely affect protein function. In summary, the available evidence is currently insufficient to determine the role of this variant in disease. Therefore, it has been classified as a Variant of Uncertain Significance.

CeGaT Center for Human Genetics Tuebingen
Classification: Likely benign. Last evaluated: 2023-01-01. Review status: criteria provided, single submitter. Criteria: CeGaT Center For Human Genetics Tuebingen Variant Classification Criteria Version 2. Collection method: clinical testing. Allele origin: germline. Affected: yes. Observed: 1 variant allele.
Comment: NUP62: BP4

Genomic Diagnostic Laboratory, Division of Genomic Diagnostics, Children's Hospital of Philadelphia
Classification: Uncertain significance. Last evaluated: 2015-10-30. Review status: criteria provided, single submitter. Criteria: DGD Variant Analysis Guidelines. Collection method: clinical testing. Allele origin: unknown.

NM_016553.5(NUP62):c.337G>A (p.Gly113Ser)

Genes: IL4I1 (interleukin 4 induced 1; minus strand), NUP62 (nucleoporin 62; minus strand). Cytogenetic location: 19q13.33.
Variant type: single nucleotide variant.
Coding change: c.337G>A on transcript NM_016553.5 (MANE Select); coding-DNA position 337, G replaced by A.
Protein change: p.Gly113Ser; replaces glycine 113 with serine.
Molecular consequence: missense variant. On other transcripts: intron variant (3).
Genome position (GRCh38, 1-based): chr19:49,909,471, C>T on the plus strand (G>A on the coding strand, the complement: NUP62 is on the minus strand). VCF-style: chr19-49909471-C-T. GRCh37 (hg19) VCF-style: chr19-50412728-C-T.
Other names: c.337G>A, p.Gly113Ser (NM_001193357.2, NM_012346.5, NM_153718.4 and 1 more transcripts); c.-227-5150G>A (NM_001258017.2, NM_172374.3); c.-285-5150G>A (NM_001258018.2); short protein forms G113S.
Identifiers: ClinVar variation 252707 (VCV000252707.30), dbSNP rs200398387, ClinGen allele CA9589158.